The following is an entry in ClinVar:

NM_001364905.1(LRBA):c.6235del (p.Ser2079fs)

Gene: LRBA (LPS responsive beige-like anchor protein; minus strand). Cytogenetic location: 4q31.3.
Variant type: Deletion.
Coding change: c.6235del on transcript NM_001364905.1 (MANE Select); coding-DNA position 6235, one base deleted (T; older notation c.6235delT).
Protein change: p.Ser2079fs; shifts the reading frame from serine 2079.
Molecular consequence: frameshift variant.
Genome position (GRCh38, 1-based): chr4:150,588,143, A deleted on the plus strand (T on the coding strand, the reverse complement: LRBA is on the minus strand). VCF-style (leftmost placement, unchanged base first): chr4-150588142-GA-G. GRCh37 (hg19) VCF-style: chr4-151509294-GA-G.
Other names: c.6235delT, p.Ser2079Leufs (NM_001199282.3); c.6235del, p.Ser2079fs (NM_001367550.1); c.6268delT, p.Ser2090Leufs (NM_006726.5); short protein forms S2079fs, S2090fs.
Identifiers: ClinVar variation 1376199 (VCV001376199.7), dbSNP rs1051619342, ClinGen allele CA108378134.

ClinVar aggregate classification (germline): Pathogenic/Likely pathogenic. Review status: criteria provided, multiple submitters, no conflicts (2 of 4 stars). 2 submissions from 2 submitters: Pathogenic (1); Likely pathogenic (1). Last evaluated 2025-11-24.

Conditions:
Combined immunodeficiency due to LRBA deficiency. Also called: Common variable immunodeficiency 8, with autoimmunity. Identifiers: Orphanet 445018, MedGen C3553512, MONDO:0013863, OMIM 614700.
LRBA-related disorder. Also called: LRBA-related condition.

Allele frequency attached by ClinVar (database versions not stated): TOPMed below 0.00001.

Submissions (2):

Labcorp Genetics (formerly Invitae), Labcorp
Classification: Pathogenic for Combined immunodeficiency due to LRBA deficiency. Last evaluated: 2025-11-24. Review status: criteria provided, single submitter. Criteria: Invitae Variant Classification Sherloc (09022015). Collection method: clinical testing. Allele origin: germline.
Comment: This sequence change creates a premature translational stop signal (p.Ser2090Leufs*3) in the LRBA gene. It is expected to result in an absent or disrupted protein product. Loss-of-function variants in LRBA are known to be pathogenic (PMID: 26206937, 26768763). This variant is not present in population databases (gnomAD no frequency). This variant has not been reported in the literature in individuals affected with LRBA-related conditions. ClinVar contains an entry for this variant (Variation ID: 1376199). For these reasons, this variant has been classified as Pathogenic.

Blueprint Genetics
Classification: Likely pathogenic for LRBA-related disorders. Last evaluated: 2022-02-18. Review status: criteria provided, single submitter. Criteria: ACMG Guidelines, 2015. Collection method: clinical testing. Allele origin: germline. Affected: yes. Observed: 3 variant alleles.

Literature cited by the submitters: PubMed 26206937 (cited by Labcorp Genetics (formerly Invitae), Labcorp); PubMed 26768763 (cited by Labcorp Genetics (formerly Invitae), Labcorp).